The following is an entry in ClinVar:

NM_006015.6(ARID1A):c.3467A>G (p.Glu1156Gly)

Genes: ARID1A (AT-rich interaction domain 1A; plus strand), LOC126805670 (CDK7 strongly-dependent group 2 enhancer GRCh37_chr1:27098665-27099864; plus strand). Cytogenetic location: 1p36.11.
Variant type: single nucleotide variant.
Coding change: c.3467A>G on transcript NM_006015.6 (MANE Select); coding-DNA position 3467, A replaced by G.
Protein change: p.Glu1156Gly; replaces glutamic acid 1156 with glycine.
Molecular consequence: missense variant.
Genome position (GRCh38, 1-based): chr1:26,772,560, A>G. VCF-style: chr1-26772560-A-G. GRCh37 (hg19) VCF-style: chr1-27099051-A-G.
Other names: c.3467A>G, p.Glu1156Gly (NM_139135.4); short protein forms E1156G.
Identifiers: ClinVar variation 1307137 (VCV001307137.3), dbSNP rs2124104349, ClinGen allele CA339166245.

ClinVar aggregate classification (germline): Uncertain significance (1 of 4 stars; one submission).

Allele frequency attached by ClinVar (database versions not stated): gnomAD exomes below 0.00001.

Submission:

GeneDx
Classification: Uncertain significance. Last evaluated: 2024-09-13. Review status: criteria provided, single submitter. Criteria: GeneDx Variant Classification Process June 2021. Collection method: clinical testing. Allele origin: germline. Affected: yes.
Comment: Not observed at significant frequency in large population cohorts (gnomAD); In silico analysis supports that this missense variant has a deleterious effect on protein structure/function; Has not been previously published as pathogenic or benign to our knowledge